The following is an entry in ClinVar:

ClinVar aggregate classification (germline): Uncertain significance (1 of 4 stars; one submission).

Conditions:
Primary ciliary dyskinesia. Also called: Ciliary dyskinesia. Identifiers: Orphanet 244, MedGen C0008780, MONDO:0016575, HP:0012265.

Submission:

Labcorp Genetics (formerly Invitae), Labcorp
Classification: Uncertain significance for Primary ciliary dyskinesia. Last evaluated: 2022-07-05. Review status: criteria provided, single submitter. Criteria: Invitae Variant Classification Sherloc (09022015). Collection method: clinical testing. Allele origin: germline.
Comment: This sequence change replaces lysine, which is basic and polar, with arginine, which is basic and polar, at codon 1242 of the DNAH5 protein (p.Lys1242Arg). This variant is not present in population databases (gnomAD no frequency). This variant has not been reported in the literature in individuals affected with DNAH5-related conditions. ClinVar contains an entry for this variant (Variation ID: 1388386). Advanced modeling of protein sequence and biophysical properties (such as structural, functional, and spatial information, amino acid conservation, physicochemical variation, residue mobility, and thermodynamic stability) performed at Invitae indicates that this missense variant is not expected to disrupt DNAH5 protein function. In summary, the available evidence is currently insufficient to determine the role of this variant in disease. Therefore, it has been classified as a Variant of Uncertain Significance.

NM_001369.3(DNAH5):c.3725A>G (p.Lys1242Arg)

Genes: DNAH5 (dynein axonemal heavy chain 5; minus strand), DNAH5-AS1 (DNAH5 antisense RNA 1; plus strand). Cytogenetic location: 5p15.2.
Variant type: single nucleotide variant.
Coding change: c.3725A>G on transcript NM_001369.3 (MANE Select); coding-DNA position 3725, A replaced by G.
Protein change: p.Lys1242Arg; replaces lysine 1242 with arginine.
Molecular consequence: missense variant.
Genome position (GRCh38, 1-based): chr5:13,870,876, T>C on the plus strand (A>G on the coding strand, the complement: DNAH5 is on the minus strand). VCF-style: chr5-13870876-T-C. GRCh37 (hg19) VCF-style: chr5-13870985-T-C.
Other names: short protein forms K1242R.
Identifiers: ClinVar variation 1388386 (VCV001388386.8), dbSNP rs1769995434, ClinGen allele CA359231861.
Genomic context (GRCh38, chr5:13,870,876, plus strand): 5'-TCTTTCAGCGCTGCCATTGCAATCCGAATATCATCTAGGTCCTTAATTGGACGATTTAGT[T>C]TCTTATTGAATTCTTCAATAAGCATAAAAATGTTTTCCATCTCACTCCGGTATTTTTTGT-3'
Protein context (NP_001360.1, residues 1232-1252): IFMLIEEFNK[Lys1242Arg]LNRPIKDLDD